The following is an entry in ClinVar:

ClinVar aggregate classification (germline): Likely pathogenic. Review status: criteria provided, multiple submitters, no conflicts (2 of 4 stars). 2 submissions from 2 submitters: Likely pathogenic (2). Last evaluated 2023-06-14.

Conditions:
Hereditary cancer-predisposing syndrome. Also called: Tumor predisposition; Hereditary neoplastic syndrome; Neoplastic Syndromes, Hereditary; Hereditary Cancer Syndrome. Identifiers: Orphanet 140162, MedGen C0027672, MeSH D009386, MONDO:0015356.
Familial cancer of breast. Also called: hereditary breast carcinoma; Hereditary breast cancer; BREAST CANCER, FAMILIAL. Identifiers: Orphanet 227535, MedGen C0346153, MONDO:0016419, OMIM 114480. Disease mechanism: loss of function.

Submissions (2):

Ambry Genetics
Classification: Likely pathogenic for Hereditary cancer-predisposing syndrome. Last evaluated: 2023-06-14. Review status: criteria provided, single submitter. Criteria: Ambry Variant Classification Scheme 2023. Collection method: clinical testing. Allele origin: germline.
Comment: The c.1375+1G>C intronic variant results from a G to C substitution one nucleotide after coding exon 11 of the CHEK2 gene. This variant is considered to be rare based on population cohorts in the Genome Aggregation Database (gnomAD). This nucleotide position is highly conserved in available vertebrate species. In silico splice site analysis predicts that this alteration will weaken the native splice donor site. Alterations that disrupt the canonical splice site are expected to cause aberrant splicing, resulting in an abnormal protein or a transcript that is subject to nonsense-mediated mRNA decay. As such, this alteration is classified as likely pathogenic.

Labcorp Genetics (formerly Invitae), Labcorp
Classification: Likely pathogenic for Familial cancer of breast. Last evaluated: 2019-12-06. Review status: criteria provided, single submitter. Criteria: Invitae Variant Classification Sherloc (09022015). Collection method: clinical testing. Allele origin: germline.
Comment: In summary, the currently available evidence indicates that the variant is pathogenic, but additional data are needed to prove that conclusively. Therefore, this variant has been classified as Likely Pathogenic. Donor and acceptor splice site variants typically lead to a loss of protein function (PMID: 16199547), and loss-of-function variants in CHEK2 are known to be pathogenic (PMID: 21876083, 24713400). Algorithms developed to predict the effect of sequence changes on RNA splicing suggest that this variant may disrupt the consensus splice site, but this prediction has not been confirmed by published transcriptional studies. This variant has not been reported in the literature in individuals with CHEK2-related conditions. This variant is not present in population databases (ExAC no frequency). This sequence change affects a donor splice site in intron 12 of the CHEK2 gene. It is expected to disrupt RNA splicing and likely results in an absent or disrupted protein product.

Literature cited by the submitters: PubMed 16199547 (cited by Labcorp Genetics (formerly Invitae), Labcorp); PubMed 21876083 (cited by Labcorp Genetics (formerly Invitae), Labcorp); PubMed 24713400 (cited by Labcorp Genetics (formerly Invitae), Labcorp).

NM_007194.4(CHEK2):c.1375+1G>C

Gene: CHEK2 (checkpoint kinase 2; minus strand). Cytogenetic location: 22q12.1.
Variant type: single nucleotide variant.
Coding change: c.1375+1G>C on transcript NM_007194.4 (MANE Select); the canonical splice donor site of the intron after coding-DNA position 1375, G replaced by C.
Molecular consequence: splice donor variant.
Genome position (GRCh38, 1-based): chr22:28,695,126, C>G on the plus strand (G>C on the coding strand, the complement: CHEK2 is on the minus strand). VCF-style: chr22-28695126-C-G. GRCh37 (hg19) VCF-style: chr22-29091114-C-G.
Other names: c.712+1G>C (NM_001437942.1, NM_001257387.3); c.1174+1G>C (NM_001349956.3); c.1288+1G>C (NM_145862.3); c.1381+1G>C (NM_001438295.1); c.1468+1G>C (NM_001438293.1); c.1417+1G>C (NM_001438294.1); c.1504+1G>C (NM_001005735.3).
Identifiers: ClinVar variation 819029 (VCV000819029.14), dbSNP rs759706360, ClinGen allele CA411095316.